The following is an entry in ClinVar:

ClinVar aggregate classification (germline): Pathogenic (1 of 4 stars; one submission).

Conditions:
Early-infantile DEE. Also called: Ohtahara syndrome; Early infantile epileptic encephalopathy with suppression bursts; Early infantile epileptic encephalopathy. Identifiers: Orphanet 1934, MedGen C0393706, MONDO:0800491.

Submission:

Labcorp Genetics (formerly Invitae), Labcorp
Classification: Pathogenic for Early-infantile DEE. Last evaluated: 2022-10-02. Review status: criteria provided, single submitter. Criteria: Invitae Variant Classification Sherloc (09022015). Collection method: clinical testing. Allele origin: germline.
Comment: For these reasons, this variant has been classified as Pathogenic. This variant disrupts a region of the SCN1A protein in which other variant(s) (p.Arg1924Leufs*8) have been determined to be pathogenic (PMID: 27465585). This suggests that this is a clinically significant region of the protein, and that variants that disrupt it are likely to be disease-causing. This variant has not been reported in the literature in individuals affected with SCN1A-related conditions. This variant is not present in population databases (gnomAD no frequency). This sequence change creates a premature translational stop signal (p.Ser1829Valfs*6) in the SCN1A gene. While this is not anticipated to result in nonsense mediated decay, it is expected to disrupt the last 181 amino acid(s) of the SCN1A protein.

Literature cited by the submitters: PubMed 27465585.

NM_001165963.4(SCN1A):c.5485_5489del (p.Ser1829fs)

Genes: SCN1A (sodium voltage-gated channel alpha subunit 1; minus strand), LOC102724058 (uncharacterized LOC102724058; plus strand). Cytogenetic location: 2q24.3.
Variant type: Deletion.
Coding change: c.5485_5489del on transcript NM_001165963.4 (MANE Select); coding-DNA positions 5485 to 5489, 5 bases deleted (TCTCA; older notation c.5485_5489delTCTCA).
Protein change: p.Ser1829fs; shifts the reading frame from serine 1829.
Molecular consequence: frameshift variant. On other transcripts: non-coding transcript variant (1).
Genome position (GRCh38, 1-based): chr2:165,991,786-165,991,790, TGAGA deleted on the plus strand (TCTCA on the coding strand, the reverse complement: SCN1A is on the minus strand); deleting any 5 consecutive bases within chr2:165,991,786-165,991,791 gives the same sequence; the c. name uses the placement nearest the transcript's 3' end. VCF-style (leftmost placement, unchanged base first): chr2-165991785-CTGAGA-C. GRCh37 (hg19) VCF-style: chr2-166848295-CTGAGA-C.
Other names: c.5401_5405del, p.Ser1801fs (NM_001165964.3, NM_001353957.2, NM_001353958.2); c.5485_5489del, p.Ser1829fs (NM_001202435.3, NM_001353948.2); c.5452_5456del, p.Ser1818fs (NM_001353949.2, NM_001353950.2, NM_001353951.2 and 2 more transcripts); c.5449_5453del, p.Ser1817fs (NM_001353954.2, NM_001353955.2); c.5398_5402del, p.Ser1800fs (NM_001353960.2); c.3043_3047del, p.Ser1015fs (NM_001353961.2); short protein forms S1800fs, S1817fs, S1829fs, S1015fs, S1818fs, S1801fs.
Identifiers: ClinVar variation 2033730 (VCV002033730.4), dbSNP rs2468331034, ClinGen allele CA2580064393.
Genomic context (GRCh38, chr2:165,991,785, plus strand): 5'-AATGAGCTGGAGTTTGTTTGGTTGTGGCAGATTGAGAGGCGGTTCAAGCGCAGCTGCAAA[CTGAGA>C]TAATTTTTCAAATTCCATGAACTGAGTTGCATCGGGATCAAACTTCTCCCAAACCTCATA-3'